The following is an entry in ClinVar:

ClinVar aggregate classification (germline): Benign/Likely benign. Review status: criteria provided, multiple submitters, no conflicts (2 of 4 stars). 2 submissions from 2 submitters: Benign (1); Likely benign (1). Last evaluated 2024-11-15.

Conditions:
Juvenile polyposis syndrome (JPS). Identifiers: Orphanet 2929, MedGen C0345893, MONDO:0017380, OMIM 174900.
Hereditary cancer-predisposing syndrome. Also called: Hereditary Cancer Syndrome; Tumor predisposition; Hereditary neoplastic syndrome; Neoplastic Syndromes, Hereditary. Identifiers: Orphanet 140162, MedGen C0027672, MeSH D009386, MONDO:0015356.

Submissions (2):

Ambry Genetics
Classification: Likely benign for Hereditary cancer-predisposing syndrome. Last evaluated: 2024-11-15. Review status: criteria provided, single submitter. Criteria: Ambry Variant Classification Scheme 2023. Collection method: clinical testing. Allele origin: germline.

Myriad Genetics, Inc.
Classification: Benign for Juvenile polyposis syndrome. Last evaluated: 2024-07-31. Review status: criteria provided, single submitter. Criteria: Myriad Autosomal Dominant, Autosomal Recessive and X-Linked Classification Criteria (2023). Collection method: clinical testing. Allele origin: unknown.
Comment: This variant is considered benign. This variant is a silent/synonymous amino acid change and it is not expected to impact splicing.

NM_004329.3(BMPR1A):c.315A>T (p.Gly105=)

Gene: BMPR1A (bone morphogenetic protein receptor type 1A; plus strand). Cytogenetic location: 10q23.2.
Variant type: single nucleotide variant.
Coding change: c.315A>T on transcript NM_004329.3 (MANE Select); coding-DNA position 315, A replaced by T.
Protein change: p.Gly105=; no amino-acid change (glycine 105 retained).
Molecular consequence: synonymous variant. On other transcripts: non-coding transcript variant (3).
Genome position (GRCh38, 1-based): chr10:86,892,211, A>T. VCF-style: chr10-86892211-A-T. GRCh37 (hg19) VCF-style: chr10-88651968-A-T.
Other names: c.315A>T, p.Gly105= (NM_001406559.1, NM_001406560.1, NM_001406561.1 and 23 more transcripts); c.231A>T, p.Gly77= (NM_001406584.1, NM_001406585.1, NM_001406586.1 and 2 more transcripts).
Identifiers: ClinVar variation 3379303 (VCV003379303.2).
Genomic context (GRCh38, chr10:86,892,211, plus strand): 5'-CATAGAAGAAGATGACCAGGGAGAAACCACATTAGCTTCAGGGTGTATGAAATATGAAGG[A>T]TCTGATTTTCAGTGCAAAGTAAGATATAATTTGGGACCCATGAGACAAAGAAGGGAGGGG-3'
Protein context (NP_004320.2, residues 95-115): TLASGCMKYE[Gly105=]SDFQCKDSPK